The following is an entry in ClinVar:

NM_001039591.3(USP9X):c.7625G>A (p.Gly2542Asp)

Gene: USP9X (ubiquitin specific peptidase 9 X-linked; plus strand). Cytogenetic location: Xp11.4.
Variant type: single nucleotide variant.
Coding change: c.7625G>A on transcript NM_001039591.3 (MANE Select); coding-DNA position 7625, G replaced by A.
Protein change: p.Gly2542Asp; replaces glycine 2542 with aspartic acid.
Molecular consequence: missense variant.
Genome position (GRCh38, 1-based): chrX:41,232,484, G>A. VCF-style: chrX-41232484-G-A. GRCh37 (hg19) VCF-style: chrX-41091737-G-A.
Other names: c.7673G>A, p.Gly2558Asp (NM_001039590.3); short protein forms G2542D, G2558D.
Identifiers: ClinVar variation 1208359 (VCV001208359.3), dbSNP rs368920041, ClinGen allele CA10389260.
Genomic context (GRCh38, chrX:41,232,484, plus strand): 5'-CAGCACATCACATGAACAACCCTCAGAGAACTGGCCAACGAGCACAAGAAAATTATGAAG[G>A]CAGTGAAGAAGTATCCCCACCTCAAACCAAGGATCAATGAAATGCACATAATTAACTGGT-3'
Protein context (NP_001034680.2, residues 2532-2552): TGQRAQENYE[Gly2542Asp]SEEVSPPQTK

ClinVar aggregate classification (germline): Likely benign (1 of 4 stars; one submission).

Allele frequency attached by ClinVar (database versions not stated): ExAC 0.00001; gnomAD exomes 0.00001; TOPMed 0.00001; ESP Exome Variant Server 0.00009.

Submission:

GeneDx
Classification: Likely benign. Last evaluated: 2021-04-14. Review status: criteria provided, single submitter. Criteria: GeneDx Variant Classification Process June 2021. Collection method: clinical testing. Allele origin: germline. Affected: yes.
Comment: In silico analysis supports that this missense variant does not alter protein structure/function; Has not been previously published as pathogenic or benign to our knowledge